The following is an entry in ClinVar:

ClinVar aggregate classification (germline): Likely benign. Review status: criteria provided, multiple submitters, no conflicts (2 of 4 stars). 2 submissions from 2 submitters: Likely benign (2). Last evaluated 2026-01-12.

Allele frequency attached by ClinVar (database versions not stated): ExAC 0.00002; TOPMed 0.00003; gnomAD 0.00004.
gnomAD v4.1: 37 of 1,613,880 alleles (0.0023%); highest among the groups gnomAD compares: Non-Finnish European, 0.0026%; no homozygotes.

Submissions (2):

Labcorp Genetics (formerly Invitae), Labcorp
Classification: Likely benign. Last evaluated: 2026-01-12. Review status: criteria provided, single submitter. Criteria: Invitae Variant Classification Sherloc (09022015). Collection method: clinical testing. Allele origin: germline.

CeGaT Center for Human Genetics Tuebingen
Classification: Likely benign. Last evaluated: 2025-09-01. Review status: criteria provided, single submitter. Criteria: CeGaT Center For Human Genetics Tuebingen Variant Classification Criteria Version 2. Collection method: clinical testing. Allele origin: germline. Affected: yes. Observed: 2 variant alleles.
Comment: HIVEP2: BS2

NM_006734.4(HIVEP2):c.973G>A (p.Val325Met)

Gene: HIVEP2 (HIVEP zinc finger 2; minus strand). Cytogenetic location: 6q24.2.
Variant type: single nucleotide variant.
Coding change: c.973G>A on transcript NM_006734.4 (MANE Select); coding-DNA position 973, G replaced by A.
Protein change: p.Val325Met; replaces valine 325 with methionine.
Molecular consequence: missense variant.
Genome position (GRCh38, 1-based): chr6:142,773,766, C>T on the plus strand (G>A on the coding strand, the complement: HIVEP2 is on the minus strand). VCF-style: chr6-142773766-C-T. GRCh37 (hg19) VCF-style: chr6-143094903-C-T.
Other names: short protein forms V325M.
Identifiers: ClinVar variation 2165009 (VCV002165009.12), dbSNP rs776089555, ClinGen allele CA4028666.